The following is an entry in ClinVar:

NM_052845.4(MMAB):c.367del (p.Asp123fs)

Gene: MMAB (metabolism of cobalamin associated B; minus strand). Cytogenetic location: 12q24.11.
Variant type: Deletion.
Coding change: c.367del on transcript NM_052845.4 (MANE Select); coding-DNA position 367, one base deleted (G; older notation c.367delG).
Protein change: p.Asp123fs; shifts the reading frame from aspartic acid 123.
Molecular consequence: frameshift variant. On other transcripts: non-coding transcript variant (1).
Genome position (GRCh38, 1-based): chr12:109,561,834, C deleted on the plus strand (G on the coding strand, the reverse complement: MMAB is on the minus strand); the first of 2 consecutive C bases (chr12:109,561,834-109,561,835); deleting either gives the same sequence. VCF-style (leftmost placement, unchanged base first): chr12-109561833-TC-T. GRCh37 (hg19) VCF-style: chr12-109999638-TC-T.
Other names: c.367del (NM_052845.3); c.367delG (NM_052845.3); short protein forms D123fs.
Identifiers: ClinVar variation 1173993 (VCV001173993.7), dbSNP rs1387128853, ClinGen allele CA607285761.
Genomic context (GRCh38, chr12:109,561,833, plus strand): 5'-GAATTACTTAAGTGAGCCTCCCGGGCCGAGGAGCATGGTGTCGCCAGGGCCGAGCCGACG[TC>T]CTGCAATGTGCACTGGATCTGGGGGGCGACAGAAAGTGACAGTCAAGATCTATGTGAGAT-3'

ClinVar aggregate classification (germline): Pathogenic. Review status: criteria provided, multiple submitters, no conflicts (2 of 4 stars). 4 submissions from 4 submitters: Pathogenic (3). 1 of the submissions does not count toward it. Last evaluated 2024-09-03.

Conditions:
Methylmalonic aciduria, cblB type (MACB). Also called: METHYLMALONIC ACIDURIA, VITAMIN B12-RESPONSIVE, DUE TO DEFECT IN SYNTHESIS OF ADENOSYLCOBALAMIN, cblB TYPE; Methylmalonic acidemia cblB type; Vitamin B12-responsive methylmalonic acidemia type cblB. Identifiers: Orphanet 28, Orphanet 79311, MedGen C1855102, MONDO:0009614, OMIM 251110.
Methylmalonic acidemia (MMA). Also called: Isolated Methylmalonic Acidemia. Identifiers: MedGen C0268583, MeSH C537358, MONDO:0002012, HP:0002912.

Submissions (4):

Natera, Inc.
Classification: Pathogenic for Methylmalonic aciduria cblB type. Last evaluated: 2024-09-03. Review status: criteria provided, single submitter. Criteria: Natera Variant Classification Schema (03/2026). Collection method: clinical testing. Allele origin: germline.
Comment: The c.367del variant in MMAB is a frameshift variant predicted to shift the reading frame beginning at codon 123 and leads to a stop codon 18 codons downstream. This variant is expected to result in nonsense mediated decay, truncation, or a dysfunctional protein product. This variant is rare in the general population with a frequency below the threshold expected for the associated phenotype(s). This variant has been observed in one or more individuals affected with the associated recessive disease, as either homozygous or compound heterozygous with a second variant (PMID: 34796408). Given the available evidence, this variant is classified as Pathogenic.

Women's Health and Genetics/Laboratory Corporation of America, LabCorp
Classification: Pathogenic for Methylmalonic acidemia. Last evaluated: 2023-01-20. Review status: criteria provided, single submitter. Criteria: LabCorp Variant Classification Summary - May 2015. Collection method: clinical testing. Allele origin: germline.
Comment: Variant summary: MMAB c.367delG (p.Asp123ThrfsX18) results in a premature termination codon, predicted to cause a truncation of the encoded protein or absence of the protein due to nonsense mediated decay, which are commonly known mechanisms for disease. The variant allele was found at a frequency of 4.2e-06 in 237140 control chromosomes. c.367delG has been reported in the literature in at-least one individual affected with Methylmalonic Acidemia (PMID:34796408). One clinical diagnostic laboratory has submitted clinical-significance assessments for this variant to ClinVar after 2014 and classified the variant as pathogenic. Based on the evidence outlined above, the variant was classified as pathogenic.

Baylor Genetics
Classification: Pathogenic for Methylmalonic aciduria, cblB type. Last evaluated: 2022-11-03. Review status: criteria provided, single submitter. Criteria: ACMG Guidelines, 2015. Collection method: clinical testing. Allele origin: unknown.

Baumgartner lab, University Children's Hospital Zurich
Classification: Pathogenic for Methylmalonic aciduria, cblB type. Last evaluated: 2021-06-01. Review status: no assertion criteria provided. Collection method: clinical testing. Allele origin: germline. Affected: yes. Not counted in ClinVar's aggregate classification.

Literature cited by the submitters: PubMed 34796408 (cited by 3 submitters).